The following is an entry in ClinVar:

NM_015512.5(DNAH1):c.10278+3C>G

Gene: DNAH1 (dynein axonemal heavy chain 1; plus strand). Cytogenetic location: 3p21.1.
Variant type: single nucleotide variant.
Coding change: c.10278+3C>G on transcript NM_015512.5 (MANE Select); 3 bases into the intron after coding-DNA position 10278, C replaced by G.
Molecular consequence: intron variant.
Genome position (GRCh38, 1-based): chr3:52,392,692, C>G. VCF-style: chr3-52392692-C-G. GRCh37 (hg19) VCF-style: chr3-52426708-C-G.
Identifiers: ClinVar variation 544600 (VCV000544600.5), dbSNP rs760063063, ClinGen allele CA2435747.

ClinVar aggregate classification (germline): Uncertain significance. Review status: criteria provided, single submitter (1 of 4 stars). 2 submissions from 2 submitters: Uncertain significance (1). 1 of the submissions does not count toward it. Last evaluated 2022-07-25.

Conditions:
Ciliary dyskinesia, primary, 37 (CILD37). Also called: CILIARY DYSKINESIA, PRIMARY, 37, WITH OR WITHOUT SITUS INVERSUS. Identifiers: MedGen C4539798, MONDO:0033204, OMIM 617577.
Spermatogenic failure 18. Identifiers: MedGen C4539783, MONDO:0054615, OMIM 617576.
DNAH1-related disorder. Also called: DNAH1-related condition.

Allele frequency attached by ClinVar (database versions not stated): ExAC 0.00001; TOPMed 0.00002; gnomAD exomes 0.00004.
gnomAD v4.1: 13 of 1,593,814 alleles (0.00082%); highest among the groups gnomAD compares: Admixed American, 0.023%; no homozygotes.

Submissions (2):

Labcorp Genetics (formerly Invitae), Labcorp
Classification: Uncertain significance for Ciliary dyskinesia, primary, 37; Spermatogenic failure 18. Last evaluated: 2022-07-25. Review status: criteria provided, single submitter. Criteria: Invitae Variant Classification Sherloc (09022015). Collection method: clinical testing. Allele origin: germline.
Comment: This sequence change falls in intron 64 of the DNAH1 gene. It does not directly change the encoded amino acid sequence of the DNAH1 protein. It affects a nucleotide within the consensus splice site. This variant is present in population databases (rs760063063, gnomAD 0.03%). This variant has not been reported in the literature in individuals affected with DNAH1-related conditions. ClinVar contains an entry for this variant (Variation ID: 544600). Variants that disrupt the consensus splice site are a relatively common cause of aberrant splicing (PMID: 17576681, 9536098). Algorithms developed to predict the effect of sequence changes on RNA splicing suggest that this variant is not likely to affect RNA splicing. In summary, the available evidence is currently insufficient to determine the role of this variant in disease. Therefore, it has been classified as a Variant of Uncertain Significance.

PreventionGenetics, part of Exact Sciences
Classification: Likely benign for DNAH1-related condition. Last evaluated: 2019-05-01. Review status: no assertion criteria provided. Collection method: clinical testing. Allele origin: germline. Not counted in ClinVar's aggregate classification.
Comment: This variant is classified as likely benign based on ACMG/AMP sequence variant interpretation guidelines (Richards et al. 2015 PMID: 25741868, with internal and published modifications).

Literature cited by the submitters: PubMed 17576681 (cited by Labcorp Genetics (formerly Invitae), Labcorp); PubMed 9536098 (cited by Labcorp Genetics (formerly Invitae), Labcorp).